The following is an entry in ClinVar:

ClinVar aggregate classification (germline): Conflicting classifications of pathogenicity. Review status: criteria provided, conflicting classifications (1 of 4 stars). 2 submissions from 2 submitters: Uncertain significance (1); Likely benign (1). Last evaluated 2025-08-13.

Conditions:
Early-infantile DEE. Also called: Early infantile epileptic encephalopathy; Ohtahara syndrome; Early infantile epileptic encephalopathy with suppression bursts. Identifiers: Orphanet 1934, MedGen C0393706, MONDO:0800491.

Submissions (2):

Labcorp Genetics (formerly Invitae), Labcorp
Classification: Uncertain significance for Early-infantile DEE. Last evaluated: 2025-08-13. Review status: criteria provided, single submitter. Criteria: Invitae Variant Classification Sherloc (09022015). Collection method: clinical testing. Allele origin: germline.
Comment: This sequence change falls in intron 17 of the SPTAN1 gene. It does not directly change the encoded amino acid sequence of the SPTAN1 protein. This variant is not present in population databases (gnomAD no frequency). This variant has not been reported in the literature in individuals affected with SPTAN1-related conditions. Algorithms developed to predict the effect of sequence changes on RNA splicing suggest that this variant may create or strengthen a splice site. In summary, the available evidence is currently insufficient to determine the role of this variant in disease. Therefore, it has been classified as a Variant of Uncertain Significance.

Blueprint Genetics
Classification: Likely benign. Last evaluated: 2019-09-29. Review status: criteria provided, single submitter. Criteria: ACMG Guidelines, 2015. Collection method: clinical testing. Allele origin: germline.

NM_001130438.3(SPTAN1):c.2437+14C>A

Gene: SPTAN1 (spectrin alpha, non-erythrocytic 1; plus strand). Cytogenetic location: 9q34.11.
Variant type: single nucleotide variant.
Coding change: c.2437+14C>A on transcript NM_001130438.3 (MANE Select); 14 bases into the intron after coding-DNA position 2437, C replaced by A.
Molecular consequence: intron variant.
Genome position (GRCh38, 1-based): chr9:128,584,539, C>A. VCF-style: chr9-128584539-C-A. GRCh37 (hg19) VCF-style: chr9-131346818-C-A.
Other names: c.2473+14C>A (NM_001375318.1, NM_001375312.2, NM_001438440.1); c.2437+14C>A (NM_001375311.2, NM_001375314.2, NM_001375310.1 and 10 more transcripts).
Identifiers: ClinVar variation 4773536 (VCV004773536.2).